The following is an entry in ClinVar:

NM_005121.3(MED13):c.5453G>C (p.Cys1818Ser)

Gene: MED13 (mediator complex subunit 13; minus strand). Cytogenetic location: 17q23.2.
Variant type: single nucleotide variant.
Coding change: c.5453G>C on transcript NM_005121.3 (MANE Select); coding-DNA position 5453, G replaced by C.
Protein change: p.Cys1818Ser; replaces cysteine 1818 with serine.
Molecular consequence: missense variant.
Genome position (GRCh38, 1-based): chr17:61,960,894, C>G on the plus strand (G>C on the coding strand, the complement: MED13 is on the minus strand). VCF-style: chr17-61960894-C-G. GRCh37 (hg19) VCF-style: chr17-60038255-C-G.
Other names: short protein forms C1818S.
Identifiers: ClinVar variation 3377542 (VCV003377542.1).
Genomic context (GRCh38, chr17:61,960,894, plus strand): 5'-AATGATATGATATATTTAGGGAAATACAAATACCTATTTGGAACATCGATGTTAATGATA[C>G]AAGTTTCTAAAAGTTCTCCATATAGATCTGTGCAAGATGCAAGAATCCACCTTTGATCAT-3'
Protein context (NP_005112.2, residues 1808-1828): TDLYGELLET[Cys1818Ser]IINIDVPNRA

ClinVar aggregate classification (germline): Uncertain significance (1 of 4 stars; one submission).

Conditions:
Intellectual developmental disorder 61. Also called: INTELLECTUAL DEVELOPMENTAL DISORDER, AUTOSOMAL DOMINANT 61; MENTAL RETARDATION, AUTOSOMAL DOMINANT 61. Identifiers: MedGen C5231400, MONDO:0032485, OMIM 618009.

gnomAD v4.1: 1 of 1,610,970 alleles (0.000062%); highest among the groups gnomAD compares: Admixed American, 0.0017%; no homozygotes.

Submission:

Neuberg Centre For Genomic Medicine, NCGM
Classification: Uncertain significance for Intellectual developmental disorder 61. Last evaluated: 2023-06-22. Review status: criteria provided, single submitter. Criteria: ACMG Guidelines, 2015. Collection method: clinical testing. Allele origin: germline. Inheritance: Autosomal dominant inheritance. Affected: yes.
Comment: The missense c.5453G>C (p.Cys1818Ser) variant in the MED13 gene has not been reported previously as a pathogenic variant nor as a benign variant, to our knowledge. This variant is absent in the gnomAD Exomes. The amino acid Cystine at position 1818 is changed to a Serine changing protein sequence and it might alter its composition and physico-chemical properties. Computational evidence (Polyphen - Probably damaging, SIFT - Tolerated and MutationTaster - Disease causing) predicts conflicting evidence on protein structure and function for this variant. The amino acid cystine in MED13 is predicted as conserved by GERP++ and PhyloP across 100 vertebrates. For these reasons, this variant has been classified as Uncertain Significance.